The following is an entry in ClinVar:

NM_000179.3(MSH6):c.3963A>G (p.Arg1321=)

Gene: MSH6 (mutS homolog 6; plus strand). Cytogenetic location: 2p16.3.
Variant type: single nucleotide variant.
Coding change: c.3963A>G on transcript NM_000179.3 (MANE Select); coding-DNA position 3963, A replaced by G.
Protein change: p.Arg1321=; no amino-acid change (arginine 1321 retained).
Molecular consequence: synonymous variant.
Genome position (GRCh38, 1-based): chr2:47,806,613, A>G. VCF-style: chr2-47806613-A-G. GRCh37 (hg19) VCF-style: chr2-48033752-A-G.
Other names: c.3573A>G, p.Arg1191= (NM_001281492.2); c.3057A>G, p.Arg1019= (NM_001281493.2, NM_001281494.2).
Identifiers: ClinVar variation 619549 (VCV000619549.5), dbSNP rs267608125, ClinGen allele CA426122191.

ClinVar aggregate classification (germline): Conflicting classifications of pathogenicity. Review status: criteria provided, conflicting classifications (1 of 4 stars). 2 submissions from 2 submitters: Uncertain significance (1); Likely benign (1). Last evaluated 2021-03-08.

Conditions:
Lynch syndrome. Identifiers: Orphanet 144, MedGen C4552100, MONDO:0005835. Disease mechanism: loss of function.
Hereditary cancer-predisposing syndrome. Also called: Neoplastic Syndromes, Hereditary; Hereditary neoplastic syndrome; Tumor predisposition; Hereditary Cancer Syndrome. Identifiers: Orphanet 140162, MedGen C0027672, MeSH D009386, MONDO:0015356.

Submissions (2):

Color Diagnostics, LLC DBA Color Health
Classification: Likely benign for Hereditary cancer-predisposing syndrome. Last evaluated: 2021-03-08. Review status: criteria provided, single submitter. Criteria: ACMG Guidelines, 2015. Collection method: clinical testing. Allele origin: germline.

University of Washington Department of Laboratory Medicine, University of Washington
Classification: Uncertain significance for Lynch syndrome. Last evaluated: 2018-05-01. Review status: criteria provided, single submitter. Criteria: Shirts BH et al. (Am J Hum Genet 2018). Collection method: clinical testing. Allele origin: somatic. Affected: yes.
Comment: MSH6 NM_000179.2:c.3963A>G has a 60.9% probability of pathogenicity based on combining prior probability from public data with a likelihood ratio of 1.56 to 1, generated from evidence of seeing this as a somatic mutation in a tumor without loss of heterozygosity at the MSH6 locus. See Shirts et al 2018, PMID 29887214.